The following is an entry in ClinVar:

NM_000520.6(HEXA):c.254-33G>A

Gene: HEXA (hexosaminidase subunit alpha; minus strand). Cytogenetic location: 15q23.
Variant type: single nucleotide variant.
Coding change: c.254-33G>A on transcript NM_000520.6 (MANE Select); 33 bases into the intron before coding-DNA position 254, G replaced by A.
Molecular consequence: intron variant. On other transcripts: missense variant (1).
Genome position (GRCh38, 1-based): chr15:72,356,650, C>T on the plus strand (G>A on the coding strand, the complement: HEXA is on the minus strand). VCF-style: chr15-72356650-C-T. GRCh37 (hg19) VCF-style: chr15-72648991-C-T.
Other names: c.254G>A, p.Gly85Asp (NM_001318825.2); c.254G>A (NM_001318825.1); short protein forms G85D.
Identifiers: ClinVar variation 989843 (VCV000989843.6), dbSNP rs186468379, ClinGen allele CA7645060.
Genomic context (GRCh38, chr15:72,356,650, plus strand): 5'-ACATTCTTCTCCAGTGTATGCCGTTTCCCTAGGAAGACAGGGTAAGCTTGGTGCGGCCAA[C>T]CTGCCATTAGAAGCAACAGGCAAAACCAAGACCCTAGCTCTAGTCCCTCAGCTCACACGC-3'

ClinVar aggregate classification (germline): Likely benign. Review status: criteria provided, multiple submitters, no conflicts (2 of 4 stars). 4 submissions from 4 submitters: Likely benign (2). 2 of the submissions do not count toward it. Last evaluated 2024-11-25.

Conditions:
Tay-Sachs disease (TSD). Also called: HEXA Disorders; HEXA DEFICIENCY; GM2 gangliosidosis, type 1; Hexosaminidase alpha-subunit deficiency (variant B); Sphingolipidosis, Tay-Sachs; Hexosaminidase A Deficiency. Identifiers: Orphanet 845, MedGen C0039373, MONDO:0010100, OMIM 272800.
HEXA-related disorder. Also called: HEXA-related condition.

Allele frequency attached by ClinVar (database versions not stated): gnomAD exomes 0.00015 and 0.00042; ExAC 0.00051; gnomAD 0.00155 and 0.00164; 1000 Genomes Project 30x 0.00156; 1000 Genomes Project 0.00160; TOPMed 0.00164; ESP Exome Variant Server 0.00185.
gnomAD v4.1: 452 of 1,613,222 alleles (0.028%); highest among the groups gnomAD compares: African/African-American, 0.55%; 2 homozygotes.

Submissions (4):

Blueprint Genetics
Classification: Likely benign. Last evaluated: 2024-11-25. Review status: criteria provided, single submitter. Criteria: ACMG Guidelines, 2015. Collection method: clinical testing. Allele origin: germline.

GeneDx
Classification: Likely benign. Last evaluated: 2021-06-23. Review status: criteria provided, single submitter. Criteria: GeneDx Variant Classification Process June 2021. Collection method: clinical testing. Allele origin: germline. Affected: yes.

Natera, Inc.
Classification: Benign for Tay-Sachs disease. Last evaluated: 2020-04-23. Review status: no assertion criteria provided. Collection method: clinical testing. Allele origin: germline. Not counted in ClinVar's aggregate classification.

PreventionGenetics, part of Exact Sciences
Classification: Likely benign for HEXA-related condition. Last evaluated: 2019-05-01. Review status: no assertion criteria provided. Collection method: clinical testing. Allele origin: germline. Not counted in ClinVar's aggregate classification.
Comment: This variant is classified as likely benign based on ACMG/AMP sequence variant interpretation guidelines (Richards et al. 2015 PMID: 25741868, with internal and published modifications).